The following is an entry in ClinVar:

NM_001378454.1(ALMS1):c.9619_9620del (p.Glu3207fs)

Gene: ALMS1 (ALMS1 centrosome and basal body associated protein; plus strand). Cytogenetic location: 2p13.1.
Variant type: Deletion.
Coding change: c.9619_9620del on transcript NM_001378454.1 (MANE Select); coding-DNA positions 9619 to 9620, 2 bases deleted (GA; older notation c.9619_9620delGA).
Protein change: p.Glu3207fs; shifts the reading frame from glutamic acid 3207.
Molecular consequence: frameshift variant.
Genome position (GRCh38, 1-based): chr2:73,519,854-73,519,855, GA deleted; deleting any 2 consecutive bases within chr2:73,519,853-73,519,855 gives the same sequence; the c. name uses the placement nearest the transcript's 3' end. VCF-style (leftmost placement, unchanged base first): chr2-73519852-CAG-C. GRCh37 (hg19) VCF-style: chr2-73746979-CAG-C.
Other names: c.9622_9623del, p.Glu3208fs (NM_015120.4); short protein forms E3207fs, E3208fs.
Identifiers: ClinVar variation 2772449 (VCV002772449.3), dbSNP rs2466303417, ClinGen allele CA2697548283.

ClinVar aggregate classification (germline): Pathogenic (1 of 4 stars; one submission).

Conditions:
Alstrom syndrome (ALMS). Identifiers: Orphanet 64, MedGen C0268425, MONDO:0008763, OMIM 203800.

Submission:

Labcorp Genetics (formerly Invitae), Labcorp
Classification: Pathogenic for Alstrom syndrome. Last evaluated: 2023-10-28. Review status: criteria provided, single submitter. Criteria: Invitae Variant Classification Sherloc (09022015). Collection method: clinical testing. Allele origin: germline.
Comment: This sequence change creates a premature translational stop signal (p.Glu3208Lysfs*10) in the ALMS1 gene. It is expected to result in an absent or disrupted protein product. Loss-of-function variants in ALMS1 are known to be pathogenic (PMID: 17594715). This variant is not present in population databases (gnomAD no frequency). This variant has not been reported in the literature in individuals affected with ALMS1-related conditions. For these reasons, this variant has been classified as Pathogenic.

Literature cited by the submitters: PubMed 17594715.